The following is an entry in ClinVar:

NM_020227.4(PRDM9):c.993G>A (p.Val331=)

Gene: PRDM9 (PR/SET domain 9; plus strand). Cytogenetic location: 5p14.2.
Variant type: single nucleotide variant.
Coding change: c.993G>A on transcript NM_020227.4 (MANE Select); coding-DNA position 993, G replaced by A.
Protein change: p.Val331=; no amino-acid change (valine 331 retained).
Molecular consequence: synonymous variant.
Genome position (GRCh38, 1-based): chr5:23,524,376, G>A. VCF-style: chr5-23524376-G-A. GRCh37 (hg19) VCF-style: chr5-23524485-G-A.
Other names: c.993G>A, p.Val331= (NM_001310214.3, NM_001376900.1).
Identifiers: ClinVar variation 2655372 (VCV002655372.24), dbSNP rs188381798, ClinGen allele CA3214782.

ClinVar aggregate classification (germline): Likely benign (1 of 4 stars; one submission).

Allele frequency attached by ClinVar (database versions not stated): ESP Exome Variant Server 0.00142; 1000 Genomes Project 30x 0.00094; ExAC 0.00096; 1000 Genomes Project 0.00100.
gnomAD v4.1: 1,901 of 1,613,914 alleles (0.12%); highest among the groups gnomAD compares: Admixed American, 0.15%; 6 homozygotes.

Submission:

CeGaT Center for Human Genetics Tuebingen
Classification: Likely benign. Last evaluated: 2023-03-01. Review status: criteria provided, single submitter. Criteria: CeGaT Center For Human Genetics Tuebingen Variant Classification Criteria Version 2. Collection method: clinical testing. Allele origin: germline. Affected: yes. Observed: 2 variant alleles.
Comment: PRDM9: BP4, BP7